The following is an entry in ClinVar:

NM_000504.4(F10):c.231G>C (p.Thr77=)

Genes: F10-AS1 (F10 antisense RNA 1; minus strand), F10 (coagulation factor X; plus strand). Cytogenetic location: 13q34.
Variant type: single nucleotide variant.
Coding change: c.231G>C on transcript NM_000504.4 (MANE Select); coding-DNA position 231, G replaced by C.
Protein change: p.Thr77=; no amino-acid change (threonine 77 retained).
Molecular consequence: synonymous variant.
Genome position (GRCh38, 1-based): chr13:113,129,612, G>C. VCF-style: chr13-113129612-G-C. GRCh37 (hg19) VCF-style: chr13-113783926-G-C.
Other names: c.231G>C, p.Thr77= (NM_001312674.2, NM_001312675.2).
Identifiers: ClinVar variation 1684306 (VCV001684306.1), dbSNP rs201932014, ClinGen allele CA485027661.

ClinVar aggregate classification (germline): Uncertain significance (0 of 4 stars; one submission).

Conditions:
Hereditary factor X deficiency disease. Also called: Congenital factor X deficiency; STUART-PROWER FACTOR DEFICIENCY. Identifiers: Orphanet 328, MedGen C0272327, MONDO:0009212, OMIM 227600.

gnomAD v4.1: 3 of 1,614,096 alleles (0.00019%); highest among the groups gnomAD compares: Non-Finnish European, 0.00017%; no homozygotes.

Submission:

ISTH-SSC Genomics in Thrombosis and Hemostasis, KU Leuven, Center for Molecular and Vascular Biology
Classification: Uncertain significance for Hereditary factor X deficiency disease. Review status: no assertion criteria provided. Collection method: research. Allele origin: unknown. Affected: yes.
Comment: Submitted to GoldVariant by Dr Karyn Mégy from NIHR Bioresource - Cambridge University, UK